The following is an entry in ClinVar:

NM_000038.6(APC):c.3258_3259del (p.Leu1087fs)

Gene: APC (APC regulator of Wnt signaling pathway; plus strand). Cytogenetic location: 5q22.2.
Variant type: Deletion.
Coding change: c.3258_3259del on transcript NM_000038.6 (MANE Select); coding-DNA positions 3258 to 3259, 2 bases deleted (CC; older notation c.3258_3259delCC).
Protein change: p.Leu1087fs; shifts the reading frame from leucine 1087.
Molecular consequence: frameshift variant.
Genome position (GRCh38, 1-based): chr5:112,838,852-112,838,853, CC deleted. VCF-style (leftmost placement, unchanged base first): chr5-112838851-ACC-A. GRCh37 (hg19) VCF-style: chr5-112174548-ACC-A.
Other names: c.3258_3259del, p.Leu1087fs (NM_001127510.3, NM_001354895.2); c.3204_3205del, p.Leu1069fs (NM_001127511.3); c.3312_3313del, p.Leu1105fs (NM_001354896.2); c.3288_3289del, p.Leu1097fs (NM_001354897.2); c.3183_3184del, p.Leu1062fs (NM_001354898.2); c.3174_3175del, p.Leu1059fs (NM_001354899.2); c.3135_3136del, p.Leu1046fs (NM_001354900.2); c.3081_3082del, p.Leu1028fs (NM_001354901.2); and 16 more; short protein forms L1028fs, L1046fs, L1059fs, L1062fs, L1069fs, L1087fs, L1097fs, L1105fs.
Identifiers: ClinVar variation 1723265 (VCV001723265.3), dbSNP rs2533484162, ClinGen allele CA645543562.
Genomic context (GRCh38, chr5:112,838,851, plus strand): 5'-GACAATCAAGGAATCAAAGTACAACTTATCCTGTTTATACTGAGAGCACTGATGATAAAC[ACC>A]TCAAGTTCCAACCACATTTTGGACAGCAGGAATGTGTTTCTCCATACAGGTCACGGGGAG-3'

ClinVar aggregate classification (germline): Pathogenic/Likely pathogenic. Review status: criteria provided, multiple submitters, no conflicts (2 of 4 stars). 2 submissions from 2 submitters: Pathogenic (1); Likely pathogenic (1). Last evaluated 2023-01-11.

Conditions:
Hereditary cancer-predisposing syndrome. Also called: Neoplastic Syndromes, Hereditary; Tumor predisposition; Hereditary neoplastic syndrome; Hereditary Cancer Syndrome. Identifiers: Orphanet 140162, MedGen C0027672, MeSH D009386, MONDO:0015356.
Familial multiple polyposis syndrome (FAP). Also called: Familial Adenomatous Polyposis (FAP); Classic familial adenomatous polyposis; Familial adenomatous polyposis; Familial intestinal polyposis; Familial polyposis. Identifiers: Orphanet 733, MedGen C0032580, MONDO:0021055. Disease mechanism: loss of function.

Submissions (2):

Ambry Genetics
Classification: Pathogenic for Hereditary cancer-predisposing syndrome. Last evaluated: 2023-01-11. Review status: criteria provided, single submitter. Criteria: Ambry Variant Classification Scheme 2023. Collection method: clinical testing. Allele origin: germline.
Comment: The c.3258_3259delCC variant, located in coding exon 15 of the APC gene, results from a deletion of two nucleotides at nucleotide positions 3258 to 3259, causing a translational frameshift with a predicted alternate stop codon (p.L1087Qfs*31). This alteration occurs at the 3' terminus of theAPC gene, is not expected to trigger nonsense-mediated mRNA decay, and only impacts the last 62% of the protein. However, premature stop codons are typically deleterious in nature, and a significant portion of the protein is affected (Ambry internal data).This alteration has been observed in at least one individual with a personal and/or family history that is consistent with APC-related disease (Ambry internal data). This variant is considered to be rare based on population cohorts in the Genome Aggregation Database (gnomAD). Based on the supporting evidence, this alteration is interpreted as a disease-causing mutation.

Women's Health and Genetics/Laboratory Corporation of America, LabCorp
Classification: Likely pathogenic for Familial multiple polyposis syndrome. Last evaluated: 2022-10-10. Review status: criteria provided, single submitter. Criteria: LabCorp Variant Classification Summary - May 2015. Collection method: clinical testing. Allele origin: germline.
Comment: Variant summary: APC c.3258_3259delCC (p.Leu1087GlnfsX31) results in a premature termination codon, predicted to cause a truncation of the encoded protein or absence of the protein due to nonsense mediated decay, which are commonly known mechanisms for disease. Truncations downstream of this position have been classified as pathogenic by our laboratory. The variant was absent in 250276 control chromosomes (gnomAD). c.3258_3259delCC has been reported in the literature in a colorectal cancer tumor sample (e.g. Christie_2013), but to our knowledge has not been reported in the germline of individuals affected with colorectal cancer or Familial Adenomatous Polyposis and no experimental evidence demonstrating an impact on protein function has been reported. No clinical diagnostic laboratories have submitted clinical-significance assessments for this variant to ClinVar after 2014. Based on the evidence outlined above, the variant was classified as likely pathogenic.

Literature cited by the submitters: PubMed 23085758 (cited by Women's Health and Genetics/Laboratory Corporation of America, LabCorp).